The following is an entry in ClinVar:

ClinVar aggregate classification (germline): Uncertain significance. Review status: criteria provided, multiple submitters, no conflicts (2 of 4 stars). 3 submissions from 3 submitters: Uncertain significance (3). Last evaluated 2026-07-07.

Conditions:
Arrhythmogenic cardiomyopathy with wooly hair and keratoderma. Also called: Arrhythmogenic cardiomyopathy with woolly hair and keratoderma; PALMOPLANTAR KERATODERMA WITH LEFT VENTRICULAR CARDIOMYOPATHY AND WOOLLY HAIR; Carvajal syndrome; Dilated cardiomyopathy with woolly hair and keratoderma. Identifiers: Orphanet 65282, MedGen C1854063, MONDO:0011581, OMIM 605676.
Arrhythmogenic right ventricular dysplasia 8 (ARVD8). Also called: Arrhythmogenic Right Ventricular Dysplasia/Cardiomyopathy 8; ARRHYTHMOGENIC RIGHT VENTRICULAR DYSPLASIA, FAMILIAL, 8; ARRHYTHMOGENIC RIGHT VENTRICULAR CARDIOMYOPATHY 8. Identifiers: MedGen C1843896, MONDO:0011831, OMIM 607450.
Cardiovascular phenotype. Identifiers: MedGen CN230736.
Cardiomyopathy (CMYO). Also called: Cardiomyopathies. Identifiers: Orphanet 167848, MedGen C0878544, MONDO:0004994, HP:0001638. Inheritance: Various modes of inheritance.

Allele frequency attached by ClinVar (database versions not stated): gnomAD exomes below 0.00001; TOPMed 0.00001; ExAC 0.00001.
gnomAD v4.1: 11 of 1,613,952 alleles (0.00068%); highest among the groups gnomAD compares: South Asian, 0.0044%; no homozygotes.

Submissions (3):

Ambry Genetics
Classification: Uncertain significance for Cardiovascular phenotype. Last evaluated: 2026-07-07. Review status: criteria provided, single submitter. Criteria: Ambry Variant Classification Scheme 2023. Collection method: clinical testing. Allele origin: germline.
Comment: The p.A1584V variant (also known as c.4751C>T), located in coding exon 23 of the DSP gene, results from a C to T substitution at nucleotide position 4751. The alanine at codon 1584 is replaced by valine, an amino acid with similar properties. This amino acid position is conserved. In addition, this alteration is predicted to be tolerated by in silico analysis. Based on the available evidence, the clinical significance of this variant remains unclear.

Labcorp Genetics (formerly Invitae), Labcorp
Classification: Uncertain significance for Arrhythmogenic cardiomyopathy with wooly hair and keratoderma; Arrhythmogenic right ventricular dysplasia 8. Last evaluated: 2025-08-18. Review status: criteria provided, single submitter. Criteria: Invitae Variant Classification Sherloc (09022015). Collection method: clinical testing. Allele origin: germline.
Comment: This sequence change replaces alanine, which is neutral and non-polar, with valine, which is neutral and non-polar, at codon 1584 of the DSP protein (p.Ala1584Val). This variant is present in population databases (rs748619817, gnomAD 0.002%). This variant has not been reported in the literature in individuals affected with DSP-related conditions. ClinVar contains an entry for this variant (Variation ID: 2140490). An algorithm developed to predict the effect of missense changes on protein structure and function (PolyPhen-2) suggests that this variant is likely to be tolerated. In summary, the available evidence is currently insufficient to determine the role of this variant in disease. Therefore, it has been classified as a Variant of Uncertain Significance.

Color Diagnostics, LLC DBA Color Health
Classification: Uncertain significance for Cardiomyopathy. Last evaluated: 2023-12-27. Review status: criteria provided, single submitter. Criteria: ACMG Guidelines, 2015. Collection method: clinical testing. Allele origin: germline.
Comment: This missense variant replaces alanine with valine at codon 1584 of the DSP protein. Computational prediction suggests that this variant may not impact protein structure and function (internally defined REVEL score threshold <= 0.5, PMID: 27666373). To our knowledge, functional studies have not been reported for this variant. This variant has not been reported in individuals affected with DSP-related disorders in the literature. This variant has been identified in 2/250312 chromosomes in the general population by the Genome Aggregation Database (gnomAD). The available evidence is insufficient to determine the role of this variant in disease conclusively. Therefore, this variant is classified as a Variant of Uncertain Significance.

NM_004415.4(DSP):c.4751C>T (p.Ala1584Val)

Gene: DSP (desmoplakin; plus strand). Cytogenetic location: 6p24.3.
Variant type: single nucleotide variant.
Coding change: c.4751C>T on transcript NM_004415.4 (MANE Select); coding-DNA position 4751, C replaced by T.
Protein change: p.Ala1584Val; replaces alanine 1584 with valine.
Molecular consequence: missense variant. On other transcripts: intron variant (2).
Genome position (GRCh38, 1-based): chr6:7,580,941, C>T. VCF-style: chr6-7580941-C-T. GRCh37 (hg19) VCF-style: chr6-7581174-C-T.
Other names: c.4050+701C>T (NM_001319034.2); c.3582+1169C>T (NM_001008844.3); short protein forms A1584V.
Identifiers: ClinVar variation 2140490 (VCV002140490.5), dbSNP rs748619817, ClinGen allele CA042742.